The following is an entry in ClinVar:

ClinVar aggregate classification (germline): Pathogenic (1 of 4 stars; one submission).

Conditions:
Hereditary cancer-predisposing syndrome. Also called: Neoplastic Syndromes, Hereditary; Tumor predisposition; Hereditary Cancer Syndrome; Hereditary neoplastic syndrome. Identifiers: Orphanet 140162, MedGen C0027672, MeSH D009386, MONDO:0015356.

Submission:

Color Diagnostics, LLC DBA Color Health
Classification: Pathogenic for Hereditary cancer-predisposing syndrome. Last evaluated: 2022-03-21. Review status: criteria provided, single submitter. Criteria: ACMG Guidelines, 2015. Collection method: clinical testing. Allele origin: germline.
Comment: This variant deletes 1 nucleotide in exon 35 of the ATM gene, creating a frameshift and premature translation stop signal. This variant is expected to result in an absent or non-functional protein product. To our knowledge, this variant has not been reported in individuals affected with hereditary cancer in the literature. This variant has not been identified in the general population by the Genome Aggregation Database (gnomAD). Loss of ATM function is a known mechanism of disease. Based on the available evidence, this variant is classified as Pathogenic.

NM_000051.4(ATM):c.5210del (p.Cys1736_Leu1737insTer)

Gene: ATM (ATM serine/threonine kinase; plus strand). Cytogenetic location: 11q22.3.
Variant type: Deletion.
Coding change: c.5210del on transcript NM_000051.4 (MANE Select); coding-DNA position 5210, one base deleted (T; older notation c.5210delT).
Protein change: p.Cys1736_Leu1737insTer.
Molecular consequence: nonsense.
Genome position (GRCh38, 1-based): chr11:108,301,680, T deleted; the last of 3 consecutive T bases (chr11:108,301,678-108,301,680); deleting any one gives the same sequence. VCF-style (leftmost placement, unchanged base first): chr11-108301677-GT-G. GRCh37 (hg19) VCF-style: chr11-108172404-GT-G.
Other names: c.5210del, p.Cys1736_Leu1737insTer (NM_001351834.2).
Identifiers: ClinVar variation 2774682 (VCV002774682.2), dbSNP rs1555105660, ClinGen allele CA2697558832.
Genomic context (GRCh38, chr11:108,301,677, plus strand): 5'-ACTTGATAGGCATTTGAATTGTTTTTTTCAGTGTCAAAGTTCGATCAGCAGCTGTTACCT[GT>G]TTGAAAAACATTTTAGCCACAAAGACTGGACATAGTTTCTGGGAGATTTATAAGATGACA-3'